The following is an entry in ClinVar:

NM_052867.4(NALCN):c.4578C>T (p.Gly1526=)

Gene: NALCN (sodium leak channel, non-selective; minus strand). Cytogenetic location: 13q32.3.
Variant type: single nucleotide variant.
Coding change: c.4578C>T on transcript NM_052867.4 (MANE Select); coding-DNA position 4578, C replaced by T.
Protein change: p.Gly1526=; no amino-acid change (glycine 1526 retained).
Molecular consequence: synonymous variant.
Genome position (GRCh38, 1-based): chr13:101,065,430, G>A on the plus strand (C>T on the coding strand, the complement: NALCN is on the minus strand). VCF-style: chr13-101065430-G-A. GRCh37 (hg19) VCF-style: chr13-101717782-G-A.
Other names: c.4578C>T (NM_052867.2); c.4665C>T, p.Gly1555= (NM_001350748.2); c.4578C>T, p.Gly1526= (NM_001350749.2); c.4491C>T, p.Gly1497= (NM_001350750.2, NM_001350751.2).
Identifiers: ClinVar variation 2962801 (VCV002962801.6), dbSNP rs780454704, ClinGen allele CA7035095.

ClinVar aggregate classification (germline): Likely benign. Review status: criteria provided, multiple submitters, no conflicts (2 of 4 stars). 3 submissions from 3 submitters: Likely benign (2). 1 of the submissions does not count toward it. Last evaluated 2025-10-23.

Conditions:
NALCN-related disorder. Also called: NALCN-related disorders; NALCN-related condition.

Allele frequency attached by ClinVar (database versions not stated): ExAC 0.00001; gnomAD exomes 0.00001; TOPMed 0.00002.
gnomAD v4.1: 16 of 1,614,010 alleles (0.00099%); highest among the groups gnomAD compares: African/African-American, 0.008%; no homozygotes.

Submissions (3):

Labcorp Genetics (formerly Invitae), Labcorp
Classification: Likely benign. Last evaluated: 2025-10-23. Review status: criteria provided, single submitter. Criteria: Invitae Variant Classification Sherloc (09022015). Collection method: clinical testing. Allele origin: germline.

Blueprint Genetics
Classification: Likely benign. Last evaluated: 2024-09-16. Review status: criteria provided, single submitter. Criteria: ACMG Guidelines, 2015. Collection method: clinical testing. Allele origin: germline.

PreventionGenetics, part of Exact Sciences
Classification: Likely benign for NALCN-related condition. Last evaluated: 2024-01-27. Review status: no assertion criteria provided. Collection method: clinical testing. Allele origin: germline. Not counted in ClinVar's aggregate classification.
Comment: This variant is classified as likely benign based on ACMG/AMP sequence variant interpretation guidelines (Richards et al. 2015 PMID: 25741868, with internal and published modifications).